The following is an entry in ClinVar:

NM_001358530.2(MOCS1):c.731G>A (p.Arg244His)

Gene: MOCS1 (molybdenum cofactor synthesis 1; minus strand). Cytogenetic location: 6p21.2.
Variant type: single nucleotide variant.
Coding change: c.731G>A on transcript NM_001358530.2 (MANE Select); coding-DNA position 731, G replaced by A.
Protein change: p.Arg244His; replaces arginine 244 with histidine.
Molecular consequence: missense variant. On other transcripts: non-coding transcript variant (1).
Genome position (GRCh38, 1-based): chr6:39,913,343, C>T on the plus strand (G>A on the coding strand, the complement: MOCS1 is on the minus strand). VCF-style: chr6-39913343-C-T. GRCh37 (hg19) VCF-style: chr6-39881087-C-T.
Other names: c.731G>A, p.Arg244His (NM_001075098.4, NM_001358529.2, NM_005943.6); c.470G>A, p.Arg157His (NM_001358531.2, NM_001358533.2, NM_001358534.2); short protein forms R244H, R157H.
Identifiers: ClinVar variation 1988827 (VCV001988827.1), dbSNP rs761671148, ClinGen allele CA3796168.
Genomic context (GRCh38, chr6:39,913,343, plus strand): 5'-TCTTCCCTCCCTCAACCCATCCCTGGTCACTGACCATCAAAGGGCATATACTCTATGAAG[C>T]GCACATCCAGGGGGAGGCCCTCAGTCAAGGCCGCAAAGTCCAGGAGTTCATCCTCGTTAA-3'
Protein context (NP_001345459.1, residues 234-254): ALTEGLPLDV[Arg244His]FIEYMPFDGN

ClinVar aggregate classification (germline): Uncertain significance (1 of 4 stars; one submission).

Conditions:
Sulfite oxidase deficiency due to molybdenum cofactor deficiency type A. Also called: Molybdenum cofactor deficiency, complementation group A; Molybdenum Cofactor Deficiency A. Identifiers: Orphanet 308386, Orphanet 833, MedGen C1854988, MONDO:0009643, OMIM 252150.

Allele frequency attached by ClinVar (database versions not stated): gnomAD exomes below 0.00001; ExAC 0.00001; TOPMed 0.00003; gnomAD 0.00005.
gnomAD v4.1: 11 of 1,614,028 alleles (0.00068%); highest among the groups gnomAD compares: Admixed American, 0.012%; no homozygotes.

Submission:

Labcorp Genetics (formerly Invitae), Labcorp
Classification: Uncertain significance for Sulfite oxidase deficiency due to molybdenum cofactor deficiency type A. Last evaluated: 2022-08-02. Review status: criteria provided, single submitter. Criteria: Invitae Variant Classification Sherloc (09022015). Collection method: clinical testing. Allele origin: germline.
Comment: This sequence change replaces arginine, which is basic and polar, with histidine, which is basic and polar, at codon 244 of the MOCS1 protein (p.Arg244His). This variant is present in population databases (rs761671148, gnomAD 0.003%). This variant has not been reported in the literature in individuals affected with MOCS1-related conditions. Algorithms developed to predict the effect of missense changes on protein structure and function are either unavailable or do not agree on the potential impact of this missense change (SIFT: "Not Available"; PolyPhen-2: "Probably Damaging"; Align-GVGD: "Not Available"). In summary, the available evidence is currently insufficient to determine the role of this variant in disease. Therefore, it has been classified as a Variant of Uncertain Significance.